The following is an entry in ClinVar:

NM_004211.5(SLC6A5):c.1831A>T (p.Ile611Phe)

Gene: SLC6A5 (solute carrier family 6 member 5; plus strand). Cytogenetic location: 11p15.1.
Variant type: single nucleotide variant.
Coding change: c.1831A>T on transcript NM_004211.5 (MANE Select); coding-DNA position 1831, A replaced by T.
Protein change: p.Ile611Phe; replaces isoleucine 611 with phenylalanine.
Molecular consequence: missense variant.
Genome position (GRCh38, 1-based): chr11:20,637,265, A>T. VCF-style: chr11-20637265-A-T. GRCh37 (hg19) VCF-style: chr11-20658811-A-T.
Other names: c.1129A>T, p.Ile377Phe (NM_001318369.2); short protein forms I611F, I377F.
Identifiers: ClinVar variation 1391046 (VCV001391046.8), dbSNP rs2133809515, ClinGen allele CA379918266.

ClinVar aggregate classification (germline): Uncertain significance (1 of 4 stars; one submission).

Conditions:
Hyperekplexia 3 (HKPX3). Also called: HYPEREKPLEXIA 3, AUTOSOMAL RECESSIVE; HYPEREKPLEXIA 3, AUTOSOMAL DOMINANT. Identifiers: Orphanet 3197, MedGen C3553288, MONDO:0013827, OMIM 614618.

Submission:

Labcorp Genetics (formerly Invitae), Labcorp
Classification: Uncertain significance for Hyperekplexia 3. Last evaluated: 2022-02-23. Review status: criteria provided, single submitter. Criteria: Invitae Variant Classification Sherloc (09022015). Collection method: clinical testing. Allele origin: germline.
Comment: Advanced modeling of protein sequence and biophysical properties (such as structural, functional, and spatial information, amino acid conservation, physicochemical variation, residue mobility, and thermodynamic stability) performed at Invitae indicates that this missense variant is not expected to disrupt SLC6A5 protein function. This sequence change replaces isoleucine, which is neutral and non-polar, with phenylalanine, which is neutral and non-polar, at codon 611 of the SLC6A5 protein (p.Ile611Phe). This variant is not present in population databases (gnomAD no frequency). This variant has not been reported in the literature in individuals affected with SLC6A5-related conditions. In summary, the available evidence is currently insufficient to determine the role of this variant in disease. Therefore, it has been classified as a Variant of Uncertain Significance.